The following is an entry in ClinVar:

ClinVar aggregate classification (germline): Uncertain significance (1 of 4 stars; one submission).

Conditions:
Hereditary cancer-predisposing syndrome. Also called: Neoplastic Syndromes, Hereditary; Hereditary Cancer Syndrome; Hereditary neoplastic syndrome; Tumor predisposition. Identifiers: Orphanet 140162, MedGen C0027672, MeSH D009386, MONDO:0015356.

Submission:

Ambry Genetics
Classification: Uncertain significance for Hereditary cancer-predisposing syndrome. Last evaluated: 2023-05-26. Review status: criteria provided, single submitter. Criteria: Ambry Variant Classification Scheme 2023. Collection method: clinical testing. Allele origin: germline.
Comment: The c.7723_7782dup60 variant (also known as p.T2575_K2594dup), located in coding exon 15 of the BRCA2 gene, results from an in-frame duplication of 60 nucleotides at nucleotide positions 7723 to 7782. This results in the duplication of 20 extra residues (TGKGIQLADGGWLIPSNDGK) between codons 2575 and 2594. Since supporting evidence is limited at this time, the clinical significance of this alteration remains unclear.

NM_000059.4(BRCA2):c.7723_7782dup (p.Lys2594_Ala2595insThrGlyLysGlyIleGlnLeuAlaAspGlyGlyTrpLeuIleProSerAsnAspGlyLys)

Gene: BRCA2 (BRCA2 DNA repair associated; plus strand). Cytogenetic location: 13q13.1.
Variant type: Duplication.
Coding change: c.7723_7782dup on transcript NM_000059.4 (MANE Select); coding-DNA positions 7723 to 7782, 60 bases duplicated.
Protein change: p.Lys2594_Ala2595insThrGlyLysGlyIleGlnLeuAlaAspGlyGlyTrpLeuIleProSerAsnAspGlyLys.
Molecular consequence: inframe insertion. On other transcripts: non-coding transcript variant (1), inframe indel (1).
Genome position (GRCh38, 1-based): chr13:32,357,847-32,357,906, 60 bases duplicated. GRCh37 (hg19): chr13:32,931,984-32,932,043.
Other names: c.7627_7686dup, p.Lys2562_Ala2563insThrGlyLysGlyIleGlnLeuAlaAspGlyGlyTrpLeuIleProSerAsnAspGlyLys (NM_001406719.1); c.7723_7782dup, p.Lys2594_Ala2595insThrGlyLysGlyIleGlnLeuAlaAspGlyGlyTrpLeuIleProSerAsnAspGlyLys (NM_001406720.1); c.2791_2850dup, p.Lys950_Ala951insThrGlyLysGlyIleGlnLeuAlaAspGlyGlyTrpLeuIleProSerAsnAspGlyLys (NM_001406721.1); c.1306_1365dup, p.Lys455_Ala456insThrGlyLysGlyIleGlnLeuAlaAspGlyGlyTrpLeuIleProSerAsnAspGlyLys (NM_001406722.1); c.7723_7782dupACTGGAAAAGGAATACAGTTGGCTGATGGTGGATGGCTCATACCCTCCAATGATGGAAAG (NM_000059.3).
Identifiers: ClinVar variation 2566021 (VCV002566021.2), dbSNP rs2548542628, ClinGen allele CA2580614662.